The following is an entry in ClinVar:

NM_025099.6(CTC1):c.2770dup (p.Ala924fs)

Gene: CTC1 (CST telomere replication complex component 1; minus strand). Cytogenetic location: 17p13.1.
Variant type: Duplication.
Coding change: c.2770dup on transcript NM_025099.6 (MANE Select); coding-DNA position 2770, one base duplicated (G; older notation c.2770dupG).
Protein change: p.Ala924fs; shifts the reading frame from alanine 924.
Molecular consequence: frameshift variant. On other transcripts: non-coding transcript variant (1).
Genome position (GRCh38, 1-based): chr17:8,230,457, C duplicated on the plus strand (G on the coding strand, the reverse complement: CTC1 is on the minus strand); the first of 5 consecutive C bases (chr17:8,230,457-8,230,461); duplicating any one gives the same sequence. VCF-style (leftmost placement, unchanged base first): chr17-8230456-G-GC. GRCh37 (hg19) VCF-style: chr17-8133774-G-GC.
Other names: c.2766dup, p.Ala924Glyfs (NM_001411067.1); short protein forms A924fs.
Identifiers: ClinVar variation 2175818 (VCV002175818.4), dbSNP rs2507882152, ClinGen allele CA2580094940.

ClinVar aggregate classification (germline): Pathogenic (1 of 4 stars; one submission).

Conditions:
Dyskeratosis congenita. Identifiers: Orphanet 1775, MedGen C0265965, MONDO:0015780.

Submission:

Labcorp Genetics (formerly Invitae), Labcorp
Classification: Pathogenic for Dyskeratosis congenita. Last evaluated: 2024-03-03. Review status: criteria provided, single submitter. Criteria: Invitae Variant Classification Sherloc (09022015). Collection method: clinical testing. Allele origin: germline.
Comment: This sequence change creates a premature translational stop signal (p.Ala924Glyfs*13) in the CTC1 gene. It is expected to result in an absent or disrupted protein product. Loss-of-function variants in CTC1 are known to be pathogenic (PMID: 22267198, 22387016). This variant is not present in population databases (gnomAD no frequency). This variant has not been reported in the literature in individuals affected with CTC1-related conditions. ClinVar contains an entry for this variant (Variation ID: 2175818). For these reasons, this variant has been classified as Pathogenic.

Literature cited by the submitters: PubMed 22267198; PubMed 22387016.